The following is an entry in ClinVar:

ClinVar aggregate classification (germline): Uncertain significance (1 of 4 stars; one submission).

Conditions:
Hereditary cancer-predisposing syndrome. Also called: Neoplastic Syndromes, Hereditary; Tumor predisposition; Hereditary neoplastic syndrome; Hereditary Cancer Syndrome. Identifiers: Orphanet 140162, MedGen C0027672, MeSH D009386, MONDO:0015356.

Submission:

Ambry Genetics
Classification: Uncertain significance for Hereditary cancer-predisposing syndrome. Last evaluated: 2024-04-17. Review status: criteria provided, single submitter. Criteria: Ambry Variant Classification Scheme 2023. Collection method: clinical testing. Allele origin: germline.
Comment: The p.I808V variant (also known as c.2422A>G), located in coding exon 15 of the SMARCA4 gene, results from an A to G substitution at nucleotide position 2422. The isoleucine at codon 808 is replaced by valine, an amino acid with highly similar properties. This amino acid position is highly conserved in available vertebrate species. In addition, the in silico prediction for this alteration is inconclusive. Based on the available evidence, the clinical significance of this variant remains unclear.

NM_003072.5(SMARCA4):c.2422A>G (p.Ile808Val)

Gene: SMARCA4 (SWI/SNF related BAF chromatin remodeling complex subunit ATPase 4; plus strand). Cytogenetic location: 19p13.2.
Variant type: single nucleotide variant.
Coding change: c.2422A>G on transcript NM_003072.5 (MANE Select); coding-DNA position 2422, A replaced by G.
Protein change: p.Ile808Val; replaces isoleucine 808 with valine.
Molecular consequence: missense variant. On other transcripts: non-coding transcript variant (1).
Genome position (GRCh38, 1-based): chr19:11,013,096, A>G. VCF-style: chr19-11013096-A-G. GRCh37 (hg19) VCF-style: chr19-11123772-A-G.
Other names: c.2422A>G, p.Ile808Val (NM_001128844.3, NM_001128845.2, NM_001128846.2 and 6 more transcripts); short protein forms I808V.
Identifiers: ClinVar variation 3320711 (VCV003320711.1).
Genomic context (GRCh38, chr19:11,013,096, plus strand): 5'-CAGACCATCGCGCTCATCACGTACCTCATGGAGCACAAACGCATCAATGGGCCCTTCCTC[A>G]TCATCGTGCCTCTCTCGTGAGTACCCGCTGCCAGCAACATCCCACACGCCGCTCACACGC-3'
Protein context (NP_003063.2, residues 798-818): EHKRINGPFL[Ile808Val]IVPLSTLSNW